The following is an entry in ClinVar:

NM_054012.4(ASS1):c.1030C>T (p.Arg344Ter)

Gene: ASS1 (argininosuccinate synthase 1; plus strand). Cytogenetic location: 9q34.11.
Variant type: single nucleotide variant.
Coding change: c.1030C>T on transcript NM_054012.4 (MANE Select); coding-DNA position 1030, C replaced by T.
Protein change: p.Arg344Ter; replaces arginine 344 with a stop codon.
Molecular consequence: nonsense.
Genome position (GRCh38, 1-based): chr9:130,494,926, C>T. VCF-style: chr9-130494926-C-T. GRCh37 (hg19) VCF-style: chr9-133370313-C-T.
Other names: c.1030C>T, p.Arg344Ter (NM_000050.4); short protein forms R344*.
Identifiers: ClinVar variation 188885 (VCV000188885.16), dbSNP rs786204537, ClinGen allele CA274080.

ClinVar aggregate classification (germline): Pathogenic. Review status: criteria provided, multiple submitters, no conflicts (2 of 4 stars). 5 submissions from 5 submitters: Pathogenic (4). 1 of the submissions does not count toward it. Last evaluated 2026-01-11.

Conditions:
Citrullinemia. Identifiers: Orphanet 187, MedGen C0175683, MONDO:0015991.
Citrullinemia type I (CTNL1). Also called: argininosuccinate synthetase deficiency; ASS DEFICIENCY. Identifiers: Orphanet 247525, MedGen C4721769, MONDO:0008988, OMIM 215700.

Allele frequency attached by ClinVar (database versions not stated): gnomAD exomes below 0.00001 and 0.00001; TOPMed below 0.00001; gnomAD 0.00001.
gnomAD v4.1: 18 of 1,613,394 alleles (0.0011%); highest among the groups gnomAD compares: Admixed American, 0.0033%; no homozygotes.

Submissions (5):

Labcorp Genetics (formerly Invitae), Labcorp
Classification: Pathogenic for Citrullinemia. Last evaluated: 2026-01-11. Review status: criteria provided, single submitter. Criteria: Invitae Variant Classification Sherloc (09022015). Collection method: clinical testing. Allele origin: germline.
Comment: This sequence change creates a premature translational stop signal (p.Arg344*) in the ASS1 gene. It is expected to result in an absent or disrupted protein product. Loss-of-function variants in ASS1 are known to be pathogenic (PMID: 18473344, 19006241). This variant is present in population databases (rs786204537, gnomAD 0.007%). This premature translational stop signal has been observed in individuals with citrullinemia (PMID: 28111830). ClinVar contains an entry for this variant (Variation ID: 188885). For these reasons, this variant has been classified as Pathogenic.

Natera, Inc.
Classification: Pathogenic for Citrullinemia type I. Last evaluated: 2025-09-22. Review status: criteria provided, single submitter. Criteria: Natera Variant Classification Schema (03/2026). Collection method: clinical testing. Allele origin: germline.
Comment: The c.1030C>T variant in ASS1 is a nonsense variant predicted to introduce a stop codon at amino acid 344. This variant is expected to result in nonsense mediated decay, truncation, or a dysfunctional protein product. This variant is rare in the general population with a frequency below the threshold expected for the associated phenotype(s). This variant has been observed in one or more individuals affected with the associated recessive disease, as either homozygous or compound heterozygous with a second variant (PMID: 28111830). Given the available evidence, this variant is classified as Pathogenic.

Laboratory of Medical Genetics, National & Kapodistrian University of Athens
Classification: Pathogenic for Citrullinemia type I. Last evaluated: 2024-02-01. Review status: criteria provided, single submitter. Criteria: ACMG Guidelines, 2015. Collection method: curation. Allele origin: germline. Affected: no.

Women's Health and Genetics/Laboratory Corporation of America, LabCorp
Classification: Pathogenic for Citrullinuria. Last evaluated: 2019-04-25. Review status: criteria provided, single submitter. Criteria: LabCorp Variant Classification Summary - May 2015. Collection method: clinical testing. Allele origin: germline.
Comment: Variant summary: ASS1 c.1030C>T (p.Arg344X) results in a premature termination codon, predicted to cause a truncation of the encoded protein or absence of the protein due to nonsense mediated decay, which are commonly known mechanisms for disease. The variant allele was found at a frequency of 4e-06 in 251214 control chromosomes (gnomAD). c.1030C>T has been reported in the literature in compound heterozygote and homozygote individuals affected with Citrullinemia Type I (Diez-Fernandez_2017, Engel_2009). These data indicate that the variant is likely to be associated with disease. To our knowledge, no experimental evidence demonstrating an impact on protein function has been reported. No clinical diagnostic laboratories have submitted clinical-significance assessments for this variant to ClinVar after 2014. Based on the evidence outlined above, the variant was classified as pathogenic.

Counsyl
Classification: Likely pathogenic for Citrullinemia type I. Last evaluated: 2014-07-15. Review status: no assertion criteria provided. Collection method: literature only. Allele origin: unknown. Inheritance: Autosomal recessive inheritance. Not counted in ClinVar's aggregate classification.

Literature cited by the submitters: PubMed 18473344 (cited by Labcorp Genetics (formerly Invitae), Labcorp); PubMed 19006241 (cited by 3 submitters); PubMed 28111830 (cited by 3 submitters).